The following is an entry in ClinVar:

ClinVar aggregate classification (germline): Uncertain significance (1 of 4 stars; one submission).

Allele frequency attached by ClinVar (database versions not stated): gnomAD exomes below 0.00001 and 0.00001; gnomAD 0.00001; TOPMed 0.00001; ExAC 0.00002.
gnomAD v4.1: 4 of 1,598,654 alleles (0.00025%); highest among the groups gnomAD compares: African/African-American, 0.0054%; no homozygotes.

Submission:

Labcorp Genetics (formerly Invitae), Labcorp
Classification: Uncertain significance. Last evaluated: 2021-04-09. Review status: criteria provided, single submitter. Criteria: Invitae Variant Classification Sherloc (09022015). Collection method: clinical testing. Allele origin: germline.
Comment: This sequence change replaces alanine with threonine at codon 581 of the ATP13A3 protein (p.Ala581Thr). The alanine residue is moderately conserved and there is a small physicochemical difference between alanine and threonine. In summary, the available evidence is currently insufficient to determine the role of this variant in disease. Therefore, it has been classified as a Variant of Uncertain Significance. Algorithms developed to predict the effect of missense changes on protein structure and function (SIFT, PolyPhen-2, Align-GVGD) all suggest that this variant is likely to be tolerated, but these predictions have not been confirmed by published functional studies and their clinical significance is uncertain. This variant has not been reported in the literature in individuals with ATP13A3-related conditions. This variant is present in population databases (rs760077533, ExAC 0.02%).

NM_001367549.1(ATP13A3):c.1741G>A (p.Ala581Thr)

Gene: ATP13A3 (ATPase 13A3; minus strand). Cytogenetic location: 3q29.
Variant type: single nucleotide variant.
Coding change: c.1741G>A on transcript NM_001367549.1 (MANE Select); coding-DNA position 1741, G replaced by A.
Protein change: p.Ala581Thr; replaces alanine 581 with threonine.
Molecular consequence: missense variant. On other transcripts: non-coding transcript variant (2).
Genome position (GRCh38, 1-based): chr3:194,438,942, C>T on the plus strand (G>A on the coding strand, the complement: ATP13A3 is on the minus strand). VCF-style: chr3-194438942-C-T. GRCh37 (hg19) VCF-style: chr3-194159671-C-T.
Other names: c.1660G>A, p.Ala554Thr (NM_001374836.1); c.1741G>A, p.Ala581Thr (NM_024524.4); short protein forms A554T, A581T.
Identifiers: ClinVar variation 1441954 (VCV001441954.8), dbSNP rs760077533, ClinGen allele CA2761893.